The following is an entry in ClinVar:

ClinVar aggregate classification (germline): Likely benign (1 of 4 stars; one submission).

Allele frequency attached by ClinVar (database versions not stated): 1000 Genomes Project 30x 0.00078; 1000 Genomes Project 0.00100.
gnomAD v4.1: 529 of 152,324 alleles (0.35%); highest among the groups gnomAD compares: Non-Finnish European, 0.36%; 3 homozygotes.

Submission:

GeneDx
Classification: Likely benign. Last evaluated: 2021-05-25. Review status: criteria provided, single submitter. Criteria: GeneDx Variant Classification Process June 2021. Collection method: clinical testing. Allele origin: germline. Affected: yes.
Comment: See Variant Classification Assertion Criteria.

NM_012398.3(PIP5K1C):c.95-161G>T

Gene: PIP5K1C (phosphatidylinositol-4-phosphate 5-kinase type 1 gamma; minus strand). Cytogenetic location: 19p13.3.
Variant type: single nucleotide variant.
Coding change: c.95-161G>T on transcript NM_012398.3 (MANE Select); 161 bases into the intron before coding-DNA position 95, G replaced by T.
Molecular consequence: intron variant.
Genome position (GRCh38, 1-based): chr19:3,667,514, C>A on the plus strand (G>T on the coding strand, the complement: PIP5K1C is on the minus strand). VCF-style: chr19-3667514-C-A. GRCh37 (hg19) VCF-style: chr19-3667512-C-A.
Other names: c.95-161G>T (NM_001195733.2, NM_001300849.2).
Identifiers: ClinVar variation 1706889 (VCV001706889.2), dbSNP rs148890020, ClinGen allele CA304376433.